The following is an entry in ClinVar:

NM_198503.5(KCNT2):c.46A>G (p.Arg16Gly)

Gene: KCNT2 (potassium sodium-activated channel subfamily T member 2; minus strand). Cytogenetic location: 1q31.3.
Variant type: single nucleotide variant.
Coding change: c.46A>G on transcript NM_198503.5 (MANE Select); coding-DNA position 46, A replaced by G.
Protein change: p.Arg16Gly; replaces arginine 16 with glycine.
Molecular consequence: missense variant. On other transcripts: non-coding transcript variant (2).
Genome position (GRCh38, 1-based): chr1:196,608,264, T>C on the plus strand (A>G on the coding strand, the complement: KCNT2 is on the minus strand). VCF-style: chr1-196608264-T-C. GRCh37 (hg19) VCF-style: chr1-196577394-T-C.
Other names: c.46A>G, p.Arg16Gly (NM_001287819.3, NM_001287820.3); short protein forms R16G.
Identifiers: ClinVar variation 5009246 (VCV005009246.1).

ClinVar aggregate classification (germline): Uncertain significance (1 of 4 stars; one submission).

Submission:

GeneDx
Classification: Uncertain significance. Last evaluated: 2026-02-11. Review status: criteria provided, single submitter. Criteria: GeneDx Variant Classification Process June 2021. Collection method: clinical testing. Allele origin: germline.
Comment: Not observed at significant frequency in large population cohorts (gnomAD); In silico analysis suggests that this missense variant does not alter protein structure/function; Has not been previously published as pathogenic or benign to our knowledge